The following is an entry in ClinVar:

NM_020975.6(RET):c.1015T>C (p.Ser339Pro)

Gene: RET (ret proto-oncogene; plus strand). Cytogenetic location: 10q11.21.
Variant type: single nucleotide variant.
Coding change: c.1015T>C on transcript NM_020975.6 (MANE Select); coding-DNA position 1015, T replaced by C.
Protein change: p.Ser339Pro; replaces serine 339 with proline.
Molecular consequence: missense variant.
Genome position (GRCh38, 1-based): chr10:43,106,523, T>C. VCF-style: chr10-43106523-T-C. GRCh37 (hg19) VCF-style: chr10-43601971-T-C.
Other names: c.1015T>C, p.Ser339Pro (NM_000323.2, NM_001406743.1, NM_001406744.1 and 6 more transcripts); c.253T>C, p.Ser85Pro (NM_001355216.2); c.886T>C, p.Ser296Pro (NM_001406761.1, NM_001406762.1, NM_001406764.1 and 1 more transcripts); c.727T>C, p.Ser243Pro (NM_001406766.1, NM_001406767.1, NM_001406770.1); short protein forms S85P, S339P, S243P, S296P.
Identifiers: ClinVar variation 858919 (VCV000858919.10), dbSNP rs1837782901, ClinGen allele CA376546378.

ClinVar aggregate classification (germline): Uncertain significance (1 of 4 stars; one submission).

Conditions:
Multiple endocrine neoplasia, type 2 (MEN2). Identifiers: Orphanet 653, MedGen C4048306, MONDO:0019003. Disease mechanism: gain of function.

Submission:

Labcorp Genetics (formerly Invitae), Labcorp
Classification: Uncertain significance for Multiple endocrine neoplasia, type 2. Last evaluated: 2019-01-26. Review status: criteria provided, single submitter. Criteria: Invitae Variant Classification Sherloc (09022015). Collection method: clinical testing. Allele origin: germline.
Comment: This sequence change replaces serine with proline at codon 339 of the RET protein (p.Ser339Pro). The serine residue is weakly conserved and there is a moderate physicochemical difference between serine and proline. This variant is not present in population databases (ExAC no frequency). This variant has not been reported in the literature in individuals with RET-related conditions. Algorithms developed to predict the effect of missense changes on protein structure and function (SIFT, PolyPhen-2, Align-GVGD) all suggest that this variant is likely to be tolerated, but these predictions have not been confirmed by published functional studies and their clinical significance is uncertain. In summary, the available evidence is currently insufficient to determine the role of this variant in disease. Therefore, it has been classified as a Variant of Uncertain Significance.